The following is an entry in ClinVar:

NM_004991.4(MECOM):c.3660G>T (p.Trp1220Cys)

Gene: MECOM (MDS1 and EVI1 complex locus; minus strand). Cytogenetic location: 3q26.2.
Variant type: single nucleotide variant.
Coding change: c.3660G>T on transcript NM_004991.4 (MANE Select); coding-DNA position 3660, G replaced by T.
Protein change: p.Trp1220Cys; replaces tryptophan 1220 with cysteine.
Molecular consequence: missense variant.
Genome position (GRCh38, 1-based): chr3:169,084,969, C>A on the plus strand (G>T on the coding strand, the complement: MECOM is on the minus strand). VCF-style: chr3-169084969-C-A. GRCh37 (hg19) VCF-style: chr3-168802757-C-A.
Other names: c.3291G>T, p.Trp1097Cys (NM_001105077.4); c.3096G>T, p.Trp1032Cys (NM_001105078.4, NM_001205194.2, NM_001366469.2 and 1 more transcripts); c.3072G>T, p.Trp1024Cys (NM_001163999.2, NM_001366470.2); c.3069G>T, p.Trp1023Cys (NM_001164000.2, NM_001366471.2, NM_001366472.2); c.3633G>T, p.Trp1211Cys (NM_001366466.2); c.3099G>T, p.Trp1033Cys (NM_001366467.2, NM_001366468.2); c.2661G>T, p.Trp887Cys (NM_001366473.2); c.2097G>T, p.Trp699Cys (NM_001366474.2); short protein forms W1033C, W1211C, W887C, W1220C, W1023C, W1024C, W1032C, W1097C.
Identifiers: ClinVar variation 4824309 (VCV004824309.1).

ClinVar aggregate classification (germline): Uncertain significance (1 of 4 stars; one submission).

Conditions:
Inborn genetic diseases. Identifiers: MedGen C0950123, MeSH D030342.

Submission:

Ambry Genetics
Classification: Uncertain significance for Inborn genetic diseases. Last evaluated: 2026-02-16. Review status: criteria provided, single submitter. Criteria: Ambry Variant Classification Scheme 2023. Collection method: clinical testing. Allele origin: germline.
Comment: The p.W1220C variant (also known as c.3660G>T), located in coding exon 17 of the MECOM gene, results from a G to T substitution at nucleotide position 3660. The tryptophan at codon 1220 is replaced by cysteine, an amino acid with highly dissimilar properties. This amino acid position is conserved. In addition, this alteration is predicted to be deleterious by in silico analysis. Based on the available evidence, the clinical significance of this variant remains unclear.